The following is an entry in ClinVar:

NM_001267550.2(TTN):c.40138G>T (p.Glu13380Ter)

Gene: TTN (titin; minus strand). Cytogenetic location: 2q31.2.
Variant type: single nucleotide variant.
Coding change: c.40138G>T on transcript NM_001267550.2 (MANE Select); coding-DNA position 40138, G replaced by T.
Protein change: p.Glu13380Ter; replaces glutamic acid 13380 with a stop codon.
Molecular consequence: nonsense. On other transcripts: intron variant (5).
Genome position (GRCh38, 1-based): chr2:178,647,384, C>A on the plus strand (G>T on the coding strand, the complement: TTN is on the minus strand). VCF-style: chr2-178647384-C-A. GRCh37 (hg19) VCF-style: chr2-179512111-C-A.
Other names: c.13283-5067G>T (NM_003319.4); c.13859-5067G>T (NM_133437.4); c.13658-5067G>T (NM_133432.3); c.32594-1354G>T (NM_133378.4); c.35375-1354G>T (NM_001256850.1); short protein forms E13380*.
Identifiers: ClinVar variation 4793517 (VCV004793517.1).

ClinVar aggregate classification (germline): Likely pathogenic (1 of 4 stars; one submission).

Conditions:
Autosomal recessive limb-girdle muscular dystrophy type 2J (LGMDR10). Also called: MUSCULAR DYSTROPHY, LIMB-GIRDLE, AUTOSOMAL RECESSIVE 10; Limb-girdle muscular dystrophy, type 2J. Identifiers: Orphanet 140922, MedGen C1837342, MONDO:0012127, OMIM 608807.
Dilated cardiomyopathy 1G (CMD1G). Identifiers: Orphanet 154, MedGen C1858763, MONDO:0011400, OMIM 604145.

Submission:

Labcorp Genetics (formerly Invitae), Labcorp
Classification: Likely pathogenic for Dilated cardiomyopathy 1G; Autosomal recessive limb-girdle muscular dystrophy type 2J. Last evaluated: 2025-12-20. Review status: criteria provided, single submitter. Criteria: Invitae Variant Classification Sherloc (09022015). Collection method: clinical testing. Allele origin: germline.
Comment: This sequence change creates a premature translational stop signal (p.Glu13380*) in the TTN gene. While this is not anticipated to result in nonsense mediated decay, it is expected to create a truncated TTN protein. This variant is not present in population databases (gnomAD no frequency). This variant has not been reported in the literature in individuals affected with TTN-related conditions. This variant is located in the I band of TTN (PMID: 25589632). Truncating variants in this region have been reported in individuals affected with autosomal recessive centronuclear myopathy (PMID: 23975875, internal data). Truncating variants in this region have also been identified in individuals affected with autosomal dominant dilated cardiomyopathy and/or cardio-related conditions (PMID: 27869827, 32964742, internal data). In summary, the currently available evidence indicates that the variant is pathogenic, but additional data are needed to prove that conclusively. Therefore, this variant has been classified as Likely Pathogenic.

Literature cited by the submitters: PubMed 25589632; PubMed 23975875; PubMed 27869827; PubMed 32964742.